The following is an entry in ClinVar:

ClinVar aggregate classification (germline): Uncertain significance. Review status: criteria provided, multiple submitters, no conflicts (2 of 4 stars). 2 submissions from 2 submitters: Uncertain significance (2). Last evaluated 2025-08-23.

Conditions:
Granulomatous disease, chronic, autosomal recessive, cytochrome b-positive, type 3. Also called: GRANULOMATOUS DISEASE, CHRONIC, DUE TO NCF4 DEFICIENCY; CGD, AUTOSOMAL RECESSIVE CYTOCHROME b-POSITIVE, TYPE III; Granulomatous disease, chronic, autosomal recessive, cytochrome b-positive, type III; GRANULOMATOUS DISEASE, CHRONIC, AUTOSOMAL RECESSIVE, 3. Identifiers: Orphanet 379, MedGen C3151409, MONDO:0013507, OMIM 613960.

Allele frequency attached by ClinVar (database versions not stated): ExAC 0.00001; gnomAD 0.00001; gnomAD exomes 0.00003.
gnomAD v4.1: 38 of 1,613,974 alleles (0.0024%); highest among the groups gnomAD compares: South Asian, 0.031%; no homozygotes.

Submissions (2):

Ambry Genetics
Classification: Uncertain significance. Last evaluated: 2025-08-23. Review status: criteria provided, single submitter. Criteria: Ambry Variant Classification Scheme 2023. Collection method: clinical testing. Allele origin: germline.

Labcorp Genetics (formerly Invitae), Labcorp
Classification: Uncertain significance for Granulomatous disease, chronic, autosomal recessive, cytochrome b-positive, type 3. Last evaluated: 2022-07-05. Review status: criteria provided, single submitter. Criteria: Invitae Variant Classification Sherloc (09022015). Collection method: clinical testing. Allele origin: germline.
Comment: This sequence change replaces arginine, which is basic and polar, with histidine, which is basic and polar, at codon 303 of the NCF4 protein (p.Arg303His). This variant is present in population databases (rs759148716, gnomAD 0.02%). This variant has not been reported in the literature in individuals affected with NCF4-related conditions. ClinVar contains an entry for this variant (Variation ID: 1056620). Algorithms developed to predict the effect of missense changes on protein structure and function are either unavailable or do not agree on the potential impact of this missense change (SIFT: "Deleterious"; PolyPhen-2: "Possibly Damaging"; Align-GVGD: "Class C0"). In summary, the available evidence is currently insufficient to determine the role of this variant in disease. Therefore, it has been classified as a Variant of Uncertain Significance.

NM_000631.5(NCF4):c.759-96G>A

Gene: NCF4 (neutrophil cytosolic factor 4; plus strand). Cytogenetic location: 22q12.3.
Variant type: single nucleotide variant.
Coding change: c.759-96G>A on transcript NM_000631.5 (MANE Select); 96 bases into the intron before coding-DNA position 759, G replaced by A.
Molecular consequence: intron variant. On other transcripts: missense variant (1).
Genome position (GRCh38, 1-based): chr22:36,875,933, G>A. VCF-style: chr22-36875933-G-A. GRCh37 (hg19) VCF-style: chr22-37271975-G-A.
Other names: c.908G>A, p.Arg303His (NM_013416.4); c.908G>A (NM_013416.3); short protein forms R303H.
Identifiers: ClinVar variation 1056620 (VCV001056620.7), dbSNP rs759148716, ClinGen allele CA10213187.